The following is an entry in ClinVar:

NM_080680.3(COL11A2):c.2297G>C (p.Gly766Ala)

Gene: COL11A2 (collagen type XI alpha 2 chain; minus strand). Cytogenetic location: 6p21.32.
Variant type: single nucleotide variant.
Coding change: c.2297G>C on transcript NM_080680.3 (MANE Select); coding-DNA position 2297, G replaced by C.
Protein change: p.Gly766Ala; replaces glycine 766 with alanine.
Molecular consequence: missense variant.
Genome position (GRCh38, 1-based): chr6:33,175,653, C>G on the plus strand (G>C on the coding strand, the complement: COL11A2 is on the minus strand). VCF-style: chr6-33175653-C-G. GRCh37 (hg19) VCF-style: chr6-33143430-C-G.
Other names: c.1271G>C, p.Gly424Ala (NM_001424110.1, NM_001424111.1); c.251G>C, p.Gly84Ala (NM_001424112.1); c.1976G>C, p.Gly659Ala (NM_080679.3); c.2039G>C, p.Gly680Ala (NM_080681.3); c.2117G>C, p.Gly706Ala (NM_001424108.1); c.1451G>C, p.Gly484Ala (NM_001424109.1); short protein forms G424A, G766A, G84A, G484A, G659A, G680A, G706A.
Identifiers: ClinVar variation 2850488 (VCV002850488.3), dbSNP rs2535042830, ClinGen allele CA363647341.

ClinVar aggregate classification (germline): Uncertain significance (1 of 4 stars; one submission).

Submission:

Labcorp Genetics (formerly Invitae), Labcorp
Classification: Uncertain significance. Last evaluated: 2023-04-10. Review status: criteria provided, single submitter. Criteria: Invitae Variant Classification Sherloc (09022015). Collection method: clinical testing. Allele origin: germline.
Comment: This sequence change replaces glycine, which is neutral and non-polar, with alanine, which is neutral and non-polar, at codon 766 of the COL11A2 protein (p.Gly766Ala). This variant is not present in population databases (gnomAD no frequency). In summary, the available evidence is currently insufficient to determine the role of this variant in disease. Therefore, it has been classified as a Variant of Uncertain Significance. Advanced modeling of protein sequence and biophysical properties (such as structural, functional, and spatial information, amino acid conservation, physicochemical variation, residue mobility, and thermodynamic stability) performed at Invitae indicates that this missense variant is expected to disrupt COL11A2 protein function. This variant has not been reported in the literature in individuals affected with COL11A2-related conditions.